The following is an entry in ClinVar:

ClinVar aggregate classification (germline): Uncertain significance. Review status: criteria provided, multiple submitters, no conflicts (2 of 4 stars). 2 submissions from 2 submitters: Uncertain significance (2). Last evaluated 2025-11-11.

gnomAD v4.1: 39 of 1,597,606 alleles (0.0024%); highest among the groups gnomAD compares: Non-Finnish European, 0.0031%; no homozygotes.

Submissions (2):

Ambry Genetics
Classification: Uncertain significance. Last evaluated: 2025-11-11. Review status: criteria provided, single submitter. Criteria: Ambry Variant Classification Scheme 2023. Collection method: clinical testing. Allele origin: germline.

Labcorp Genetics (formerly Invitae), Labcorp
Classification: Uncertain significance. Last evaluated: 2024-06-20. Review status: criteria provided, single submitter. Criteria: Invitae Variant Classification Sherloc (09022015). Collection method: clinical testing. Allele origin: germline.
Comment: This sequence change replaces threonine, which is neutral and polar, with alanine, which is neutral and non-polar, at codon 193 of the MAD2L2 protein (p.Thr193Ala). This variant is present in population databases (rs372770438, gnomAD 0.008%). This variant has not been reported in the literature in individuals affected with MAD2L2-related conditions. An algorithm developed to predict the effect of missense changes on protein structure and function (PolyPhen-2) suggests that this variant is likely to be tolerated. In summary, the available evidence is currently insufficient to determine the role of this variant in disease. Therefore, it has been classified as a Variant of Uncertain Significance.

NM_006341.4(MAD2L2):c.577A>G (p.Thr193Ala)

Gene: MAD2L2 (mitotic arrest deficient 2 like 2; minus strand). Cytogenetic location: 1p36.22.
Variant type: single nucleotide variant.
Coding change: c.577A>G on transcript NM_006341.4 (MANE Select); coding-DNA position 577, A replaced by G.
Protein change: p.Thr193Ala; replaces threonine 193 with alanine.
Molecular consequence: missense variant.
Genome position (GRCh38, 1-based): chr1:11,675,099, T>C on the plus strand (A>G on the coding strand, the complement: MAD2L2 is on the minus strand). VCF-style: chr1-11675099-T-C. GRCh37 (hg19) VCF-style: chr1-11735156-T-C.
Other names: c.577A>G (NM_001127325.1); c.577A>G, p.Thr193Ala (NM_001127325.2); short protein forms T193A.
Identifiers: ClinVar variation 3699800 (VCV003699800.3).